The following is an entry in ClinVar:

NM_020778.5(ALPK3):c.4814A>G (p.Asp1605Gly)

Gene: ALPK3 (alpha kinase 3; plus strand). Cytogenetic location: 15q25.3.
Variant type: single nucleotide variant.
Coding change: c.4814A>G on transcript NM_020778.5 (MANE Select); coding-DNA position 4814, A replaced by G.
Protein change: p.Asp1605Gly; replaces aspartic acid 1605 with glycine.
Molecular consequence: missense variant.
Genome position (GRCh38, 1-based): chr15:84,868,152, A>G. VCF-style: chr15-84868152-A-G. GRCh37 (hg19) VCF-style: chr15-85411383-A-G.
Other names: short protein forms D1605G.
Identifiers: ClinVar variation 4753525 (VCV004753525.1).

ClinVar aggregate classification (germline): Uncertain significance (1 of 4 stars; one submission).

gnomAD v4.1: 26 of 1,613,782 alleles (0.0016%); highest among the groups gnomAD compares: East Asian, 0.058%; no homozygotes.

Submission:

Labcorp Genetics (formerly Invitae), Labcorp
Classification: Uncertain significance. Last evaluated: 2025-12-18. Review status: criteria provided, single submitter. Criteria: Invitae Variant Classification Sherloc (09022015). Collection method: clinical testing. Allele origin: germline.
Comment: This sequence change replaces aspartic acid, which is acidic and polar, with glycine, which is neutral and non-polar, at codon 1807 of the ALPK3 protein (p.Asp1807Gly). This variant is not present in population databases (gnomAD no frequency). This variant has not been reported in the literature in individuals affected with ALPK3-related conditions. Invitae Evidence Modeling of protein sequence and biophysical properties (such as structural, functional, and spatial information, amino acid conservation, physicochemical variation, residue mobility, and thermodynamic stability) indicates that this missense variant is expected to disrupt ALPK3 protein function with a positive predictive value of 80%. In summary, the available evidence is currently insufficient to determine the role of this variant in disease. Therefore, it has been classified as a Variant of Uncertain Significance.